The following is an entry in ClinVar:

ClinVar aggregate classification (germline): Uncertain significance (1 of 4 stars; one submission).

Allele frequency attached by ClinVar (database versions not stated): TOPMed below 0.00001.
gnomAD v4.1: 1 of 1,612,336 alleles (0.000062%); highest among the groups gnomAD compares: Non-Finnish European, 0.000085%; no homozygotes.

Submission:

ARUP Laboratories, Molecular Genetics and Genomics, ARUP Laboratories
Classification: Uncertain significance. Last evaluated: 2018-01-10. Review status: criteria provided, single submitter. Criteria: ARUP Molecular Germline Variant Investigation Process. Collection method: clinical testing. Allele origin: germline.
Comment: The p.Leu52Val variant has not been reported in the medical literature, gene specific variation databases, nor has it been previously identified by our laboratory. It is absent from general population databases such as 1000 Genomes, NHLBI GO Exome Sequencing Project (ESP), and the Genome Aggregation Database (gnomAD). The leucine at position 52 is highly conserved up to tetraodon considering 11 species (Alamut v2.10) and computational analyses of the p.Leu52Val variant on protein structure and function indicate a deleterious effect (SIFT: damaging, MutationTaster: disease causing, PolyPhen-2: probably damaging). Altogether, there is not enough evidence to classify the p.Leu52Val variant with certainty.

NM_017433.5(MYO3A):c.154C>G (p.Leu52Val)

Gene: MYO3A (myosin IIIA; plus strand). Cytogenetic location: 10p12.1.
Variant type: single nucleotide variant.
Coding change: c.154C>G on transcript NM_017433.5 (MANE Select); coding-DNA position 154, C replaced by G.
Protein change: p.Leu52Val; replaces leucine 52 with valine.
Molecular consequence: missense variant.
Genome position (GRCh38, 1-based): chr10:25,952,264, C>G. VCF-style: chr10-25952264-C-G. GRCh37 (hg19) VCF-style: chr10-26241193-C-G.
Other names: c.154C>G, p.Leu52Val (NM_001368265.1); short protein forms L52V.
Identifiers: ClinVar variation 618748 (VCV000618748.8), dbSNP rs1191024582, ClinGen allele CA376331634.